The following is an entry in ClinVar:

NM_024857.5(ATAD5):c.5457-7T>G

Gene: ATAD5 (ATPase family AAA domain containing 5; plus strand). Cytogenetic location: 17q11.2.
Variant type: single nucleotide variant.
Coding change: c.5457-7T>G on transcript NM_024857.5 (MANE Select); 7 bases into the intron before coding-DNA position 5457, T replaced by G.
Molecular consequence: intron variant.
Genome position (GRCh38, 1-based): chr17:30,894,828, T>G. VCF-style: chr17-30894828-T-G. GRCh37 (hg19) VCF-style: chr17-29221846-T-G.
Other names: NC_000017.10:g.29221846T>G.
Identifiers: ClinVar variation 3044617 (VCV003044617.3), dbSNP rs183947191, ClinGen allele CA8484471.
Genomic context (GRCh38, chr17:30,894,828, plus strand): 5'-TTAATACATATTTTCATAAGATGAAAATGTTAATATTAAATTGTATTTTTCTTTGTAATT[T>G]TGACAGATTCCTGCACTATTTTGAAGGAATTCATCTTGACATTCCAAAAGAGACTGTGAA-3'

ClinVar aggregate classification (germline): Likely benign (0 of 4 stars; one submission).

Conditions:
ATAD5-related disorder. Also called: ATAD5-related condition.

Allele frequency attached by ClinVar (database versions not stated): 1000 Genomes Project 30x 0.00031; 1000 Genomes Project 0.00040; ESP Exome Variant Server 0.00100; TOPMed 0.00106; gnomAD 0.00115; ExAC 0.00142.
gnomAD v4.1: 2,660 of 1,580,210 alleles (0.17%); highest among the groups gnomAD compares: Non-Finnish European, 0.2%; 5 homozygotes.

Submissions (5):

PreventionGenetics, part of Exact Sciences
Classification: Likely benign for ATAD5-related condition. Last evaluated: 2019-06-02. Review status: no assertion criteria provided. Collection method: clinical testing. Allele origin: germline.
Comment: This variant is classified as likely benign based on ACMG/AMP sequence variant interpretation guidelines (Richards et al. 2015 PMID: 25741868, with internal and published modifications).

Dr. Peter K. Rogan Lab, Western University
No classification provided (evidence only). Condition: Acute myeloid leukemia. Review status: no classification provided. Collection method: in vitro. Allele origin: not applicable. Functional consequence: retained intron. Not counted in ClinVar's aggregate classification.

Dr. Peter K. Rogan Lab, Western University
No classification provided (evidence only). Condition: Ovarian serous cystadenocarcinoma. Review status: no classification provided. Collection method: in vitro. Allele origin: not applicable. Functional consequence: retained intron. Not counted in ClinVar's aggregate classification.

Dr. Peter K. Rogan Lab, Western University
No classification provided (evidence only). Condition: Ovarian serous cystadenocarcinoma. Review status: no classification provided. Collection method: in vitro. Allele origin: not applicable. Functional consequence: retained intron. Not counted in ClinVar's aggregate classification.

Dr. Peter K. Rogan Lab, Western University
No classification provided (evidence only). Condition: Malignant tumor of esophagus. Review status: no classification provided. Collection method: in vitro. Allele origin: not applicable. Functional consequence: retained intron. Not counted in ClinVar's aggregate classification.